The following is an entry in ClinVar:

ClinVar aggregate classification (germline): Likely pathogenic (1 of 4 stars; one submission).

Conditions:
Dilated cardiomyopathy 1G (CMD1G). Identifiers: Orphanet 154, MedGen C1858763, MONDO:0011400, OMIM 604145.
Autosomal recessive limb-girdle muscular dystrophy type 2J (LGMDR10). Also called: Limb-girdle muscular dystrophy, type 2J; MUSCULAR DYSTROPHY, LIMB-GIRDLE, AUTOSOMAL RECESSIVE 10. Identifiers: Orphanet 140922, MedGen C1837342, MONDO:0012127, OMIM 608807.

Submission:

Labcorp Genetics (formerly Invitae), Labcorp
Classification: Likely pathogenic for Dilated cardiomyopathy 1G; Autosomal recessive limb-girdle muscular dystrophy type 2J. Last evaluated: 2025-03-03. Review status: criteria provided, single submitter. Criteria: Invitae Variant Classification Sherloc (09022015). Collection method: clinical testing. Allele origin: germline.
Comment: This sequence change creates a premature translational stop signal (p.Tyr19515*) in the TTN gene. While this is not anticipated to result in nonsense mediated decay, it is expected to create a truncated TTN protein. This variant is not present in population databases (gnomAD no frequency). This variant has not been reported in the literature in individuals affected with TTN-related conditions. ClinVar contains an entry for this variant (Variation ID: 1066007). This variant is located in the A band of TTN (PMID: 25589632). Truncating variants in this region are significantly overrepresented in patients affected with dilated cardiomyopathy (PMID: 25589632). Truncating variants in this region have also been reported in individuals affected with autosomal recessive centronuclear myopathy (PMID: 23975875). In summary, the currently available evidence indicates that the variant is pathogenic, but additional data are needed to prove that conclusively. Therefore, this variant has been classified as Likely Pathogenic.

Literature cited by the submitters: PubMed 25589632; PubMed 23975875.

NM_001267550.2(TTN):c.58545T>A (p.Tyr19515Ter)

Genes: TTN (titin; minus strand), TTN-AS1 (TTN antisense RNA 1; plus strand). Cytogenetic location: 2q31.2.
Variant type: single nucleotide variant.
Coding change: c.58545T>A on transcript NM_001267550.2 (MANE Select); coding-DNA position 58545, T replaced by A.
Protein change: p.Tyr19515Ter; replaces tyrosine 19515 with a stop codon.
Molecular consequence: nonsense.
Genome position (GRCh38, 1-based): chr2:178,593,755, A>T on the plus strand (T>A on the coding strand, the complement: TTN is on the minus strand). VCF-style: chr2-178593755-A-T. GRCh37 (hg19) VCF-style: chr2-179458482-A-T.
Other names: c.53622T>A, p.Tyr17874Ter (NM_001256850.1); c.31350T>A, p.Tyr10450Ter (NM_003319.4); c.50841T>A, p.Tyr16947Ter (NM_133378.4); c.31725T>A, p.Tyr10575Ter (NM_133432.3); c.31926T>A, p.Tyr10642Ter (NM_133437.4); short protein forms Y10450*, Y10575*, Y10642*, Y16947*, Y17874*, Y19515*.
Identifiers: ClinVar variation 1066007 (VCV001066007.9), dbSNP rs1195475569, ClinGen allele CA349504772.